The following is an entry in ClinVar:

NM_000051.4(ATM):c.695del (p.Ile232fs)

Gene: ATM (ATM serine/threonine kinase; plus strand). Cytogenetic location: 11q22.3.
Variant type: Deletion.
Coding change: c.695del on transcript NM_000051.4 (MANE Select); coding-DNA position 695, one base deleted (T; older notation c.695delT).
Protein change: p.Ile232fs; shifts the reading frame from isoleucine 232.
Molecular consequence: frameshift variant.
Genome position (GRCh38, 1-based): chr11:108,244,820, T deleted. VCF-style (leftmost placement, unchanged base first): chr11-108244819-AT-A. GRCh37 (hg19) VCF-style: chr11-108115546-AT-A.
Other names: c.695del, p.Ile232fs (NM_001351834.2); short protein forms I232fs.
Identifiers: ClinVar variation 2773999 (VCV002773999.3), dbSNP rs2497147562, ClinGen allele CA2697548992.
Genomic context (GRCh38, chr11:108,244,819, plus strand): 5'-CCCAGTTGAGCTTGTTTGTTTCTTCACAGACAAGAAAAGAGCTCTTCAGGTCTAAATCAT[AT>A]CTTAGCAGCTCTTACTATCTTCCTCAAGACTTTGGCTGTCAACTTTCGAATTCGAGTGTG-3'

ClinVar aggregate classification (germline): Pathogenic. Review status: criteria provided, multiple submitters, no conflicts (2 of 4 stars). 2 submissions from 2 submitters: Pathogenic (2). Last evaluated 2026-02-19.

Conditions:
Hereditary cancer-predisposing syndrome. Also called: Tumor predisposition; Hereditary Cancer Syndrome; Hereditary neoplastic syndrome; Neoplastic Syndromes, Hereditary. Identifiers: Orphanet 140162, MedGen C0027672, MeSH D009386, MONDO:0015356.

Submissions (2):

Ambry Genetics
Classification: Pathogenic for Hereditary cancer-predisposing syndrome. Last evaluated: 2026-02-19. Review status: criteria provided, single submitter. Criteria: Ambry Variant Classification Scheme 2023. Collection method: clinical testing. Allele origin: germline.
Comment: The c.695delT pathogenic mutation, located in coding exon 6 of the ATM gene, results from a deletion of one nucleotide at nucleotide position 695, causing a translational frameshift with a predicted alternate stop codon (p.I232Tfs*2). This variant is considered to be rare based on population cohorts in the Genome Aggregation Database (gnomAD). This alteration is expected to result in loss of function by premature protein truncation or nonsense-mediated mRNA decay. As such, this alteration is interpreted as a disease-causing mutation.

Color Diagnostics, LLC DBA Color Health
Classification: Pathogenic for Hereditary cancer-predisposing syndrome. Last evaluated: 2022-12-05. Review status: criteria provided, single submitter. Criteria: ACMG Guidelines, 2015. Collection method: clinical testing. Allele origin: germline.
Comment: This variant deletes 1 nucleotide in exon 7 of the ATM gene, creating a frameshift and premature translation stop signal. This variant is expected to result in an absent or non-functional protein product. To our knowledge, this variant has not been reported in individuals affected with ATM-related disorders in the literature. This variant has not been identified in the general population by the Genome Aggregation Database (gnomAD). Loss of ATM function is a known mechanism of disease. Based on the available evidence, this variant is classified as Pathogenic.